The following is an entry in ClinVar:

ClinVar aggregate classification (germline): Likely pathogenic (1 of 4 stars; one submission).

Conditions:
Gamma-aminobutyric acid transaminase deficiency (GABATD). Also called: GABA transaminase deficiency; Gamma aminobutyrate transaminase deficiency; 4 alpha aminobutyrate transaminase deficiency; GABA aminotransaminase deficiency. Identifiers: Orphanet 2066, MedGen C0342708, MONDO:0013166, OMIM 613163.

Submission:

Labcorp Genetics (formerly Invitae), Labcorp
Classification: Likely pathogenic for Gamma-aminobutyric acid transaminase deficiency. Last evaluated: 2022-06-27. Review status: criteria provided, single submitter. Criteria: Invitae Variant Classification Sherloc (09022015). Collection method: clinical testing. Allele origin: germline.
Comment: In summary, the currently available evidence indicates that the variant is pathogenic, but additional data are needed to prove that conclusively. Therefore, this variant has been classified as Likely Pathogenic. This variant has not been reported in the literature in individuals affected with ABAT-related conditions. This variant results in a copy number gain of the genomic region encompassing exon(s) 6-11 of the ABAT gene. While the exact position of this variant cannot be determined from the data, sub-genic copy number gains are generally in tandem (PMID: 25640679). This variant is predicted to be out-of-frame, and may result in an absent or disrupted protein product. Loss-of-function variants in ABAT are known to be pathogenic (PMID: 20052547, 25738457).

Literature cited by the submitters: PubMed 25640679; PubMed 20052547; PubMed 25738457.

NC_000016.9:g.(?_8851594)_(8862850_?)dup

Gene: ABAT (4-aminobutyrate aminotransferase; plus strand). Cytogenetic location: 16p13.2.
Variant type: Duplication.
Identifiers: ClinVar variation 1522940 (VCV001522940.6).